The following is an entry in ClinVar:

NM_000256.3(MYBPC3):c.2729C>T (p.Pro910Leu)

Gene: MYBPC3 (myosin binding protein C3; minus strand). Cytogenetic location: 11p11.2.
Variant type: single nucleotide variant.
Coding change: c.2729C>T on transcript NM_000256.3 (MANE Select); coding-DNA position 2729, C replaced by T.
Protein change: p.Pro910Leu; replaces proline 910 with leucine.
Molecular consequence: missense variant.
Genome position (GRCh38, 1-based): chr11:47,335,885, G>A on the plus strand (C>T on the coding strand, the complement: MYBPC3 is on the minus strand). VCF-style: chr11-47335885-G-A. GRCh37 (hg19) VCF-style: chr11-47357436-G-A.
Other names: short protein forms P910L.
Identifiers: ClinVar variation 2448107 (VCV002448107.4), dbSNP rs2495746257, ClinGen allele CA380317023.

ClinVar aggregate classification (germline): Conflicting classifications of pathogenicity. Review status: criteria provided, conflicting classifications (1 of 4 stars). 2 submissions from 2 submitters: Uncertain significance (1); Likely benign (1). Last evaluated 2026-08-06.

Conditions:
Cardiovascular phenotype. Identifiers: MedGen CN230736.
Hypertrophic cardiomyopathy. Also called: HYPERTROPHIC MYOCARDIOPATHY. Identifiers: Orphanet 217569, MedGen C0007194, MeSH D002312, MONDO:0005045, HP:0001639.

Submissions (2):

Ambry Genetics
Classification: Likely benign for Cardiovascular phenotype. Last evaluated: 2026-08-06. Review status: criteria provided, single submitter. Criteria: Ambry Variant Classification Scheme 2023. Collection method: clinical testing. Allele origin: germline.

All of Us Research Program, National Institutes of Health
Classification: Uncertain significance for Hypertrophic cardiomyopathy. Last evaluated: 2023-02-24. Review status: criteria provided, single submitter. Criteria: ACMG Guidelines, 2015. Collection method: clinical testing. Allele origin: germline. Inheritance: Autosomal dominant inheritance. Observed: 1 variant allele, 1 heterozygote.
Comment: This missense variant replaces proline with leucine at codon 910 of the MYBPC3 protein. Computational prediction suggests that this variant may not impact protein structure and function (internally defined REVEL score threshold <= 0.5, PMID: 27666373). To our knowledge, functional studies have not been reported for this variant. This variant has not been reported in individuals affected with MYBPC3-related disorders in the literature. This variant has not been identified in the general population by the Genome Aggregation Database (gnomAD). The available evidence is insufficient to determine the role of this variant in disease conclusively. Therefore, this variant is classified as a Variant of Uncertain Significance.

This study involves interpretation of variants in research participants for the purpose of population health screening. Participant phenotype was not available at the time of variant classification. Additional details can be found in publication PMID: 35346344, PMCID: PMC8962531